The following is an entry in ClinVar:

NM_004370.6(COL12A1):c.1639C>T (p.Leu547Phe)

Gene: COL12A1 (collagen type XII alpha 1 chain; minus strand). Cytogenetic location: 6q13.
Variant type: single nucleotide variant.
Coding change: c.1639C>T on transcript NM_004370.6 (MANE Select); coding-DNA position 1639, C replaced by T.
Protein change: p.Leu547Phe; replaces leucine 547 with phenylalanine.
Molecular consequence: missense variant. On other transcripts: intron variant (1).
Genome position (GRCh38, 1-based): chr6:75,183,302, G>A on the plus strand (C>T on the coding strand, the complement: COL12A1 is on the minus strand). VCF-style: chr6-75183302-G-A. GRCh37 (hg19) VCF-style: chr6-75893018-G-A.
Other names: c.73+19418C>T (NM_080645.3); short protein forms L547F.
Identifiers: ClinVar variation 2135805 (VCV002135805.28), dbSNP rs2533566323, ClinGen allele CA364769284.

ClinVar aggregate classification (germline): Uncertain significance. Review status: criteria provided, multiple submitters, no conflicts (2 of 4 stars). 2 submissions from 2 submitters: Uncertain significance (2). Last evaluated 2022-09-01.

Conditions:
Ullrich congenital muscular dystrophy 2 (UCMD2). Identifiers: Orphanet 75840, MedGen C4225314, MONDO:0014654, OMIM 616470.
Bethlem myopathy 2 (BTHLM2). Identifiers: Orphanet 536516, Orphanet 610, MedGen C4225313, MONDO:0034022, OMIM 616471.

Submissions (2):

Labcorp Genetics (formerly Invitae), Labcorp
Classification: Uncertain significance for Bethlem myopathy 2; Ullrich congenital muscular dystrophy 2. Last evaluated: 2022-09-01. Review status: criteria provided, single submitter. Criteria: Invitae Variant Classification Sherloc (09022015). Collection method: clinical testing. Allele origin: germline.
Comment: In summary, the available evidence is currently insufficient to determine the role of this variant in disease. Therefore, it has been classified as a Variant of Uncertain Significance. Algorithms developed to predict the effect of missense changes on protein structure and function are either unavailable or do not agree on the potential impact of this missense change (SIFT: "Deleterious"; PolyPhen-2: "Probably Damaging"; Align-GVGD: "Class C0"). This variant has not been reported in the literature in individuals affected with COL12A1-related conditions. This variant is not present in population databases (gnomAD no frequency). This sequence change replaces leucine, which is neutral and non-polar, with phenylalanine, which is neutral and non-polar, at codon 547 of the COL12A1 protein (p.Leu547Phe).

CeGaT Center for Human Genetics Tuebingen
Classification: Uncertain significance. Last evaluated: 2022-07-01. Review status: criteria provided, single submitter. Criteria: CeGaT Center For Human Genetics Tuebingen Variant Classification Criteria Version 2. Collection method: clinical testing. Allele origin: germline. Affected: yes. Observed: 1 variant allele.
Comment: COL12A1: PM2, PP3